The following is an entry in ClinVar:

NM_020843.4(SCAPER):c.1093G>C (p.Val365Leu)

Gene: SCAPER (S-phase cyclin A associated protein in the ER; minus strand). Cytogenetic location: 15q24.3.
Variant type: single nucleotide variant.
Coding change: c.1093G>C on transcript NM_020843.4 (MANE Select); coding-DNA position 1093, G replaced by C.
Protein change: p.Val365Leu; replaces valine 365 with leucine.
Molecular consequence: missense variant. On other transcripts: non-coding transcript variant (1).
Genome position (GRCh38, 1-based): chr15:76,771,897, C>G on the plus strand (G>C on the coding strand, the complement: SCAPER is on the minus strand). VCF-style: chr15-76771897-C-G. GRCh37 (hg19) VCF-style: chr15-77064238-C-G.
Other names: c.355G>C, p.Val119Leu (NM_001145923.2); c.1093G>C, p.Val365Leu (NM_001353009.2); c.691G>C, p.Val231Leu (NM_001353010.2, NM_001353011.2, NM_001353012.2); short protein forms V231L, V119L, V365L.
Identifiers: ClinVar variation 4998877 (VCV004998877.1).

ClinVar aggregate classification (germline): Uncertain significance (1 of 4 stars; one submission).

Conditions:
SCAPER-related disorder. Also called: SCAPER-related condition.

gnomAD v4.1: 2 of 1,612,868 alleles (0.00012%); highest among the groups gnomAD compares: Non-Finnish European, 0.00017%; no homozygotes.

Submission:

PreventionGenetics, part of Exact Sciences
Classification: Uncertain significance for SCAPER-related condition. Last evaluated: 2026-06-03. Review status: criteria provided, single submitter. Criteria: ACMG Guidelines, 2015. Collection method: clinical testing. Allele origin: germline.
Comment: The SCAPER c.1093G>C variant is predicted to result in the amino acid substitution p.Val365Leu. To our knowledge, this variant has not been reported in the literature or in a large population database (gnomAD), indicating this variant is rare. At this time, the clinical significance of this variant is uncertain due to the absence of conclusive functional and genetic evidence.